The following is an entry in ClinVar:

ClinVar aggregate classification (germline): Benign (1 of 4 stars; one submission).

Allele frequency attached by ClinVar (database versions not stated): 1000 Genomes Project 0.09245; 1000 Genomes Project 30x 0.09322; TOPMed 0.12340; gnomAD 0.12746 and 0.12783; gnomAD exomes 0.15165.
gnomAD v4.1: 55,765 of 391,046 alleles (14%); highest among the groups gnomAD compares: Non-Finnish European, 18%; 4,661 homozygotes.

Submission:

GeneDx
Classification: Benign. Last evaluated: 2018-06-14. Review status: criteria provided, single submitter. Criteria: GeneDx Variant Classification (06012015). Collection method: clinical testing. Allele origin: germline. Affected: yes.
Comment: This variant is considered likely benign or benign based on one or more of the following criteria: it is a conservative change, it occurs at a poorly conserved position in the protein, it is predicted to be benign by multiple in silico algorithms, and/or has population frequency not consistent with disease.

NM_198904.4(GABRG2):c.632-1164G>A

Gene: GABRG2 (gamma-aminobutyric acid type A receptor subunit gamma2; plus strand). Cytogenetic location: 5q34.
Variant type: single nucleotide variant.
Coding change: c.632-1164G>A on transcript NM_198904.4 (MANE Select); 1164 bases into the intron before coding-DNA position 632, G replaced by A.
Molecular consequence: intron variant.
Genome position (GRCh38, 1-based): chr5:162,102,725, G>A. VCF-style: chr5-162102725-G-A. GRCh37 (hg19) VCF-style: chr5-161529731-G-A.
Other names: c.632-1164G>A (NM_000816.3, NM_001375344.1, NM_001375340.1 and 2 more transcripts); c.347-1164G>A (NM_001375349.1); c.751+52G>A (NM_001375343.1, NM_198903.2); c.212-1164G>A (NM_001375350.1, NM_001375348.1); c.623-1164G>A (NM_001375339.1); c.566-1164G>A (NM_001375346.1, NM_001375345.1); c.545-1164G>A (NM_001375347.1).
Identifiers: ClinVar variation 675185 (VCV000675185.1), dbSNP rs34281163, ClinGen allele CA12068866.